The following is an entry in ClinVar:

NM_000059.4(BRCA2):c.425+4T>C

Gene: BRCA2 (BRCA2 DNA repair associated; plus strand). Cytogenetic location: 13q13.1.
Variant type: single nucleotide variant.
Coding change: c.425+4T>C on transcript NM_000059.4 (MANE Select); 4 bases into the intron after coding-DNA position 425, T replaced by C.
Molecular consequence: intron variant.
Genome position (GRCh38, 1-based): chr13:32,325,188, T>C. VCF-style: chr13-32325188-T-C. GRCh37 (hg19) VCF-style: chr13-32899325-T-C.
Identifiers: ClinVar variation 2035891 (VCV002035891.4), dbSNP rs757612558, ClinGen allele CA2580086987.

ClinVar aggregate classification (germline): Uncertain significance (1 of 4 stars; one submission).

Conditions:
Hereditary breast ovarian cancer syndrome. Also called: Hereditary breast and/or ovarian cancer syndrome; BRCA1- and BRCA2-Associated Hereditary Breast and Ovarian Cancer; Breast and ovarian cancer; Hereditary breast and ovarian cancer; Hereditary breast and ovarian cancer syndrome (HBOC); Hereditary breast and ovarian cancer syndrome. Identifiers: Orphanet 145, MedGen C0677776, MeSH D061325, MONDO:0003582. Disease mechanism: loss of function.

gnomAD v4.1: 3 of 1,522,898 alleles (0.0002%); highest among the groups gnomAD compares: Non-Finnish European, 0.00027%; no homozygotes.

Submission:

Labcorp Genetics (formerly Invitae), Labcorp
Classification: Uncertain significance for Hereditary breast ovarian cancer syndrome. Last evaluated: 2022-10-17. Review status: criteria provided, single submitter. Criteria: Invitae Variant Classification Sherloc (09022015). Collection method: clinical testing. Allele origin: germline.
Comment: This sequence change falls in intron 4 of the BRCA2 gene. It does not directly change the encoded amino acid sequence of the BRCA2 protein. It affects a nucleotide within the consensus splice site. This variant is not present in population databases (gnomAD no frequency). This variant has not been reported in the literature in individuals affected with BRCA2-related conditions. Variants that disrupt the consensus splice site are a relatively common cause of aberrant splicing (PMID: 17576681, 9536098). Algorithms developed to predict the effect of sequence changes on RNA splicing suggest that this variant is not likely to affect RNA splicing. In summary, the available evidence is currently insufficient to determine the role of this variant in disease. Therefore, it has been classified as a Variant of Uncertain Significance.

Literature cited by the submitters: PubMed 17576681; PubMed 9536098.